The following is an entry in ClinVar:

ClinVar aggregate classification (germline): Conflicting classifications of pathogenicity. Review status: criteria provided, conflicting classifications (1 of 4 stars). 6 submissions from 6 submitters: Uncertain significance (1); Benign (1); Likely benign (4). Last evaluated 2025-12-11.

Conditions:
Tuberous sclerosis 2 (TSC2). Identifiers: Orphanet 805, MedGen C1860707, MONDO:0013199, OMIM 613254.
Isolated focal cortical dysplasia type II (FCORD2). Also called: CORTICAL DYSPLASIA OF TAYLOR; Focal cortical dysplasia type II. Identifiers: Orphanet 268994, MedGen C1846385, MONDO:0011818, OMIM 607341, HP:0032051.
Lymphangiomyomatosis (LAM). Also called: Lymphangioleiomyomatosis; Lymphangioleiomyomatosis, somatic. Identifiers: Orphanet 538, MedGen C0751674, MONDO:0011705, OMIM 606690.
Tuberous sclerosis syndrome (TSC). Also called: Tuberous Sclerosis Complex; Tuberous sclerosis. Identifiers: Orphanet 805, MedGen C0041341, MONDO:0001734.
Hereditary cancer-predisposing syndrome. Also called: Hereditary neoplastic syndrome; Neoplastic Syndromes, Hereditary; Tumor predisposition; Hereditary Cancer Syndrome. Identifiers: Orphanet 140162, MedGen C0027672, MeSH D009386, MONDO:0015356.

Allele frequency attached by ClinVar (database versions not stated): gnomAD 0.00001 and 0.00002; gnomAD exomes 0.00001; TOPMed 0.00001; ExAC 0.00002.
gnomAD v4.1: 12 of 1,612,930 alleles (0.00074%); highest among the groups gnomAD compares: Middle Eastern, 0.033%; no homozygotes.

Submissions (6):

Ambry Genetics
Classification: Likely benign for Hereditary cancer-predisposing syndrome. Last evaluated: 2025-12-11. Review status: criteria provided, single submitter. Criteria: Ambry Variant Classification Scheme 2023. Collection method: clinical testing. Allele origin: germline.

Labcorp Genetics (formerly Invitae), Labcorp
Classification: Benign for Tuberous sclerosis 2. Last evaluated: 2025-10-20. Review status: criteria provided, single submitter. Criteria: Invitae Variant Classification Sherloc (09022015). Collection method: clinical testing. Allele origin: germline.

Women's Health and Genetics/Laboratory Corporation of America, LabCorp
Classification: Likely benign. Last evaluated: 2025-03-20. Review status: criteria provided, single submitter. Criteria: LabCorp Variant Classification Summary - May 2015. Collection method: clinical testing. Allele origin: germline.
Comment: Variant summary: TSC2 c.5299C>G (p.Leu1767Val) results in a conservative amino acid change in the encoded protein sequence. Four of four in-silico tools predict a benign effect of the variant on protein function. The variant allele was found at a frequency of 7.4e-06 in 1612930 control chromosomes. This frequency is not significantly higher than estimated for a pathogenic variant in TSC2 causing Tuberous Sclerosis Complex (7.4e-06 vs 6.9e-05), allowing no conclusion about variant significance. This variant has been observed in an unaffected individual, providing supporting evidence for a benign role (Labcorp, formerly Invitae). To our knowledge, no occurrence of c.5299C>G in individuals affected with Tuberous Sclerosis Complex and no experimental evidence demonstrating its impact on protein function have been reported. ClinVar contains an entry for this variant (Variation ID: 468155). Based on the evidence outlined above, the variant was classified as likely benign.

Fulgent Genetics
Classification: Likely benign for Lymphangiomyomatosis; Isolated focal cortical dysplasia type II; Tuberous sclerosis 2. Last evaluated: 2024-06-19. Review status: criteria provided, single submitter. Criteria: ACMG Guidelines, 2015. Collection method: clinical testing. Allele origin: germline.

Color Diagnostics, LLC DBA Color Health
Classification: Uncertain significance for Tuberous sclerosis syndrome. Last evaluated: 2024-01-30. Review status: criteria provided, single submitter. Criteria: ACMG Guidelines, 2015. Collection method: clinical testing. Allele origin: germline.
Comment: This missense variant replaces leucine with valine at codon 1767 of the TSC2 protein. Computational prediction is inconclusive regarding the impact of this variant on protein structure and function. To our knowledge, functional studies have not been reported for this variant. This variant has not been reported in individuals affected with TSC2-related disorders in the literature. This variant has been identified in 3/250266 chromosomes in the general population by the Genome Aggregation Database (gnomAD). The available evidence is insufficient to determine the role of this variant in disease conclusively. Therefore, this variant is classified as a Variant of Uncertain Significance.

Genome-Nilou Lab
Classification: Likely benign for Tuberous sclerosis 2. Last evaluated: 2021-11-07. Review status: criteria provided, single submitter. Criteria: ACMG Guidelines, 2015. Collection method: clinical testing. Allele origin: germline. Affected: no.

NM_000548.5(TSC2):c.5299C>G (p.Leu1767Val)

Gene: TSC2 (TSC complex subunit 2; plus strand). Cytogenetic location: 16p13.3.
Variant type: single nucleotide variant.
Coding change: c.5299C>G on transcript NM_000548.5 (MANE Select); coding-DNA position 5299, C replaced by G.
Protein change: p.Leu1767Val; replaces leucine 1767 with valine.
Molecular consequence: missense variant.
Genome position (GRCh38, 1-based): chr16:2,088,485, C>G. VCF-style: chr16-2088485-C-G. GRCh37 (hg19) VCF-style: chr16-2138486-C-G.
Other names: c.5098C>G, p.Leu1700Val (NM_001077183.3); c.5230C>G, p.Leu1744Val (NM_001114382.3); c.4990C>G, p.Leu1664Val (NM_001318827.2); c.4954C>G, p.Leu1652Val (NM_001318829.2); c.4567C>G, p.Leu1523Val (NM_001318831.2); c.5131C>G, p.Leu1711Val (NM_001318832.2); c.5101C>G, p.Leu1701Val (NM_001363528.2); c.5167C>G, p.Leu1723Val (NM_001370404.1); and 2 more; short protein forms L1767V, L1652V, L1720V, L1744V, L1664V, L1701V, L1711V, L1523V.
Identifiers: ClinVar variation 468155 (VCV000468155.22), dbSNP rs1051758, ClinGen allele CA054998.